The following is an entry in ClinVar:

NM_000254.3(MTR):c.3085C>T (p.Arg1029Trp)

Gene: MTR (5-methyltetrahydrofolate-homocysteine methyltransferase; plus strand). Cytogenetic location: 1q43.
Variant type: single nucleotide variant.
Coding change: c.3085C>T on transcript NM_000254.3 (MANE Select); coding-DNA position 3085, C replaced by T.
Protein change: p.Arg1029Trp; replaces arginine 1029 with tryptophan.
Molecular consequence: missense variant.
Genome position (GRCh38, 1-based): chr1:236,891,210, C>T. VCF-style: chr1-236891210-C-T. GRCh37 (hg19) VCF-style: chr1-237054510-C-T.
Other names: c.2932C>T, p.Arg978Trp (NM_001291939.1); c.1864C>T, p.Arg622Trp (NM_001291940.2); c.2896C>T, p.Arg966Trp (NM_001410942.1); c.3085C>T (NM_000254.2); short protein forms R1029W, R622W, R966W, R978W.
Identifiers: ClinVar variation 2060755 (VCV002060755.2), dbSNP rs139771804, ClinGen allele CA1474603.
Genomic context (GRCh38, chr1:236,891,210, plus strand): 5'-GTCTACGATGATGCCCACAATATGCTGAACACACTGATTAGTCAAAAGAAACTCCGGGCC[C>T]GGGGTGTGGTTGGGTTCTGGCCAGCACAGAGTATCCAAGACGACATTCACCTGTACGCAG-3'
Protein context (NP_000245.2, residues 1019-1039): TLISQKKLRA[Arg1029Trp]GVVGFWPAQS

ClinVar aggregate classification (germline): Uncertain significance. Review status: criteria provided, multiple submitters, no conflicts (2 of 4 stars). 2 submissions from 2 submitters: Uncertain significance (2). Last evaluated 2025-09-27.

Conditions:
Inborn genetic diseases. Identifiers: MedGen C0950123, MeSH D030342.
Methylcobalamin deficiency type cblG (HMAG). Also called: HOMOCYSTINURIA-MEGALOBLASTIC ANEMIA, cblG COMPLEMENTATION TYPE; HOMOCYSTINURIA-MEGALOBLASTIC ANEMIA, cblG TYPE; Functional methionine synthase deficiency type cblG; HOMOCYSTINURIA-MEGALOBLASTIC ANEMIA DUE TO DEFECT IN COBALAMIN METABOLISM, cblG COMPLEMENTATION TYPE. Identifiers: Orphanet 2170, Orphanet 622, MedGen C1855128, MONDO:0009609, OMIM 250940.

Allele frequency attached by ClinVar (database versions not stated): ExAC 0.00002; gnomAD 0.00007; TOPMed 0.00007; ESP Exome Variant Server 0.00008.
gnomAD v4.1: 110 of 1,613,970 alleles (0.0068%); highest among the groups gnomAD compares: Non-Finnish European, 0.0086%; no homozygotes.

Submissions (2):

Ambry Genetics
Classification: Uncertain significance for Inborn genetic diseases. Last evaluated: 2025-09-27. Review status: criteria provided, single submitter. Criteria: Ambry Variant Classification Scheme 2023. Collection method: clinical testing. Allele origin: germline.

Labcorp Genetics (formerly Invitae), Labcorp
Classification: Uncertain significance for Methylcobalamin deficiency type cblG. Last evaluated: 2022-02-09. Review status: criteria provided, single submitter. Criteria: Invitae Variant Classification Sherloc (09022015). Collection method: clinical testing. Allele origin: germline.
Comment: This sequence change replaces arginine, which is basic and polar, with tryptophan, which is neutral and slightly polar, at codon 1029 of the MTR protein (p.Arg1029Trp). This variant is present in population databases (rs139771804, gnomAD 0.01%). This variant has not been reported in the literature in individuals affected with MTR-related conditions. Algorithms developed to predict the effect of missense changes on protein structure and function are either unavailable or do not agree on the potential impact of this missense change (SIFT: "Deleterious"; PolyPhen-2: "Possibly Damaging"; Align-GVGD: "Class C0"). In summary, the available evidence is currently insufficient to determine the role of this variant in disease. Therefore, it has been classified as a Variant of Uncertain Significance.